The following is an entry in ClinVar:

ClinVar aggregate classification (germline): Uncertain significance (1 of 4 stars; one submission).

Conditions:
Argininosuccinate lyase deficiency. Also called: Argininosuccinic aciduria; ARGININOSUCCINIC ACID LYASE DEFICIENCY; ASL DEFICIENCY. Identifiers: Orphanet 23, MedGen C0268547, MONDO:0008815, OMIM 207900, HP:0025630.

Submission:

Labcorp Genetics (formerly Invitae), Labcorp
Classification: Uncertain significance for Argininosuccinate lyase deficiency. Last evaluated: 2022-08-02. Review status: criteria provided, single submitter. Criteria: Invitae Variant Classification Sherloc (09022015). Collection method: clinical testing. Allele origin: germline.
Comment: This sequence change replaces arginine, which is basic and polar, with leucine, which is neutral and non-polar, at codon 453 of the ASL protein (p.Arg453Leu). This variant is present in population databases (no rsID available, gnomAD 0.006%). This variant has not been reported in the literature in individuals affected with ASL-related conditions. Advanced modeling of protein sequence and biophysical properties (such as structural, functional, and spatial information, amino acid conservation, physicochemical variation, residue mobility, and thermodynamic stability) performed at Invitae indicates that this missense variant is not expected to disrupt ASL protein function. In summary, the available evidence is currently insufficient to determine the role of this variant in disease. Therefore, it has been classified as a Variant of Uncertain Significance.

NM_000048.4(ASL):c.1358G>T (p.Arg453Leu)

Gene: ASL (argininosuccinate lyase; plus strand). Cytogenetic location: 7q11.21.
Variant type: single nucleotide variant.
Coding change: c.1358G>T on transcript NM_000048.4 (MANE Select); coding-DNA position 1358, G replaced by T.
Protein change: p.Arg453Leu; replaces arginine 453 with leucine.
Molecular consequence: missense variant.
Genome position (GRCh38, 1-based): chr7:66,092,875, G>T. VCF-style: chr7-66092875-G-T. GRCh37 (hg19) VCF-style: chr7-65557862-G-T.
Other names: c.1358G>T, p.Arg453Leu (NM_001024943.2); c.1298G>T, p.Arg433Leu (NM_001024944.2); c.1280G>T, p.Arg427Leu (NM_001024946.2); short protein forms R433L, R427L, R453L.
Identifiers: ClinVar variation 2173808 (VCV002173808.1), dbSNP rs762805462, ClinGen allele CA367653599.